The following is an entry in ClinVar:

NM_012120.3(CD2AP):c.1569AGA[2] (p.Glu525del)

Gene: CD2AP (CD2 associated protein; plus strand). Cytogenetic location: 6p12.3.
Variant type: Microsatellite.
Coding change: c.1569AGA[2] on transcript NM_012120.3 (MANE Select); two copies in a row of the 3-base unit AGA starting at c.1569; the reference has three copies in a row; one copy, 3 bases deleted.
Protein change: p.Glu525del; deletes glutamic acid 525.
Molecular consequence: inframe deletion.
Genome position (GRCh38, 1-based): chr6:47,607,971-47,607,973, AGA deleted; deleting any 3 consecutive bases within chr6:47,607,964-47,607,973 gives the same sequence; the position shown is the placement nearest the transcript's 3' end. VCF-style (leftmost placement, unchanged base first): chr6-47607963-AAAG-A. GRCh37 (hg19) VCF-style: chr6-47575699-AAAG-A.
Other names: short protein forms E525del.
Identifiers: ClinVar variation 357176 (VCV000357176.16), dbSNP rs545551160, ClinGen allele CA3844381.

ClinVar aggregate classification (germline): Uncertain significance. Review status: criteria provided, multiple submitters, no conflicts (2 of 4 stars). 5 submissions from 5 submitters: Uncertain significance (4). 1 of the submissions does not count toward it. Last evaluated 2025-10-19.

Conditions:
Focal segmental glomerulosclerosis 3, susceptibility to (FSGS3). Identifiers: Orphanet 656, MedGen C1842982, MONDO:0011917, OMIM 607832.
Inherited focal segmental glomerulosclerosis. Identifiers: MedGen CN327126, MONDO:0005363.
Focal segmental glomerulosclerosis (FSGS). Also called: Glomerulosclerosis, focal; Focal sclerosis with hyalinosis. Identifiers: MedGen C0017668, MONDO:0100313, HP:0000097. Disease mechanism: loss of function.

Submissions (5):

Labcorp Genetics (formerly Invitae), Labcorp
Classification: Uncertain significance. Last evaluated: 2025-10-19. Review status: criteria provided, single submitter. Criteria: Invitae Variant Classification Sherloc (09022015). Collection method: clinical testing. Allele origin: germline.
Comment: This variant, c.1575_1577del, results in the deletion of 1 amino acid(s) of the CD2AP protein (p.Glu525del), but otherwise preserves the integrity of the reading frame. This variant is present in population databases (rs545551160, gnomAD 0.06%), including at least one homozygous and/or hemizygous individual. This variant has been observed in individual(s) with autosomal dominant steroid resistant nephrotic syndrome (PMID: 19131354). This variant is also known as c.1573delAGA. ClinVar contains an entry for this variant (Variation ID: 357176). Experimental studies and prediction algorithms are not available or were not evaluated, and the functional significance of this variant is currently unknown. In summary, the available evidence is currently insufficient to determine the role of this variant in disease. Therefore, it has been classified as a Variant of Uncertain Significance.

Blueprint Genetics
Classification: Uncertain significance. Last evaluated: 2024-10-08. Review status: criteria provided, single submitter. Criteria: ACMG Guidelines, 2015. Collection method: clinical testing. Allele origin: germline.

Department of Pathology and Laboratory Medicine, Sinai Health System
Classification: Uncertain significance for inherited focal segmental glomerulosclerosis. Last evaluated: 2023-08-22. Review status: criteria provided, single submitter. Criteria: ACMG Guidelines, 2015. Collection method: research. Allele origin: germline.

Genome Diagnostics Laboratory, The Hospital for Sick Children
Classification: Uncertain significance for Focal segmental glomerulosclerosis. Last evaluated: 2020-04-01. Review status: criteria provided, single submitter. Criteria: ACMG Guidelines, 2015. Collection method: clinical testing. Allele origin: germline.

Bioscientia Institut fuer Medizinische Diagnostik GmbH, Sonic Healthcare
Classification: Likely pathogenic for Focal segmental glomerulosclerosis 3, susceptibility to. Last evaluated: 2018-11-12. Review status: no assertion criteria provided. Collection method: clinical testing. Allele origin: germline. Affected: yes. Not counted in ClinVar's aggregate classification.

Literature cited by the submitters: PubMed 19131354 (cited by Labcorp Genetics (formerly Invitae), Labcorp).